The following is an entry in ClinVar:

Single allele

Genes: CEP20 (centrosomal protein 20; minus strand), ABCC6 (ATP binding cassette subfamily C member 6; minus strand), NPIPA5 (nuclear pore complex interacting protein family member A5; minus strand), MPV17L-BMERB1 (MPV17L-BMERB1 readthrough; plus strand), MYH11 (myosin heavy chain 11; minus strand) and 29 more. Cytogenetic location: 16p13.11.
Variant type: Deletion.
Identifiers: ClinVar variation 4819207 (VCV004819207.1).

ClinVar aggregate classification (germline): Pathogenic (1 of 4 stars; one submission).

Conditions:
16p13.11 microdeletion syndrome. Identifiers: Orphanet 261236, MedGen C4304596, MONDO:0016836.

Submission:

Broad Center for Mendelian Genomics, Broad Institute of MIT and Harvard
Classification: Pathogenic for 16p13.11 microdeletion syndrome. Last evaluated: 2023-05-01. Review status: criteria provided, single submitter. Criteria: ACMG/ClinGen CNV Guidelines, 2019. Collection method: research. Allele origin: germline. Inheritance: Autosomal dominant inheritance. Affected: yes.
Comment: These breakpoints have been called by exome sequencing only and therefore may not reflect the true breakpoints. The patient phenotype is nonspecific, but is consistent with cases described in the literature and/or published databases with overlapping variants. There is complete overlap with the 16p13.11 recurrent region (BP2-BP3) (includes MYH11) which is known to be haploinsufficient and has been assessed by the ClinGen Dosage Sensitivity Working Group. This variant has been noted to have reduced penetrance and variable expressivity (PMID: 23637818). A similar deletion has been identified in 0.02% (2/9534) of African/African American chromosomes by the Genome Aggregation Database (gnomAD; Structural variant: DEL_16_152665). Although a deletion of genetic content similar to this CNV has been seen in the general population in a heterozygous state, its frequency is not high enough to rule out a pathogenic role. In summary, this variant meets criteria to be classified as pathogenic for autosomal dominant 16p13.11 microdeletion syndrome. The ACMG/ClinGen evidence codes and points used in this curation are as follows: 1: 0 points, 2: 1 points, 3: 0 points, 4-5: 0.1 points; Total: 1.1 points; Riggs 2020 (PMID: 31690835).

Literature cited by the submitters: PubMed 23637818.